The following is an entry in ClinVar:

ClinVar aggregate classification (germline): Conflicting classifications of pathogenicity. Review status: criteria provided, conflicting classifications (1 of 4 stars). 2 submissions from 2 submitters: Likely pathogenic (1); Uncertain significance (1). Last evaluated 2026-03-27.

Conditions:
Familial adenomatous polyposis 2. Also called: COLORECTAL ADENOMATOUS POLYPOSIS, AUTOSOMAL RECESSIVE; ADENOMAS, MULTIPLE COLORECTAL, AUTOSOMAL RECESSIVE; MUTYH Polyposis; Adenomas, multiple colorectal; MYH-associated polyposis; FAP type 2. Identifiers: Orphanet 220460, Orphanet 247798, MedGen C3272841, MONDO:0012041, OMIM 608456.
Hereditary cancer-predisposing syndrome. Also called: Neoplastic Syndromes, Hereditary; Tumor predisposition; Hereditary Cancer Syndrome; Hereditary neoplastic syndrome. Identifiers: Orphanet 140162, MedGen C0027672, MeSH D009386, MONDO:0015356.

Submissions (2):

Ambry Genetics
Classification: Likely pathogenic for Hereditary cancer-predisposing syndrome. Last evaluated: 2026-03-27. Review status: criteria provided, single submitter. Criteria: Ambry Variant Classification Scheme 2023. Collection method: clinical testing. Allele origin: germline.
Comment: The p.M490K variant (also known as c.1469T>A), located in coding exon 14 of the MUTYH gene, results from a T to A substitution at nucleotide position 1469. The methionine at codon 490 is replaced by lysine, an amino acid with similar properties. In a massively parallel cell-based functional assay testing 7,8-dihydro-8-oxoguanine:adenine (8OG:A) repair activity, a byproduct of oxidative damage, this variant was reported to be non-functional (Hemker SL et al. Am J Hum Genet, 2025 Sep;112:2010-2026). This amino acid position is well conserved in available vertebrate species. In addition, this alteration is predicted to be deleterious by in silico analysis. This variant is considered to be rare based on population cohorts in the Genome Aggregation Database (gnomAD). Based on the majority of available evidence to date, this variant is likely to be pathogenic.

Labcorp Genetics (formerly Invitae), Labcorp
Classification: Uncertain significance for Familial adenomatous polyposis 2. Last evaluated: 2025-05-25. Review status: criteria provided, single submitter. Criteria: Invitae Variant Classification Sherloc (09022015). Collection method: clinical testing. Allele origin: germline.
Comment: This sequence change replaces methionine, which is neutral and non-polar, with lysine, which is basic and polar, at codon 490 of the MUTYH protein (p.Met490Lys). This variant is not present in population databases (gnomAD no frequency). This variant has not been reported in the literature in individuals affected with MUTYH-related conditions. An algorithm developed to predict the effect of missense changes on protein structure and function (PolyPhen-2) suggests that this variant is likely to be disruptive. In summary, the available evidence is currently insufficient to determine the role of this variant in disease. Therefore, it has been classified as a Variant of Uncertain Significance.

Literature cited by the submitters: PubMed 40738107 (cited by Ambry Genetics).

NM_001048174.2(MUTYH):c.1385T>A (p.Met462Lys)

Gene: MUTYH (mutY DNA glycosylase; minus strand). Cytogenetic location: 1p34.1.
Variant type: single nucleotide variant.
Coding change: c.1385T>A on transcript NM_001048174.2 (MANE Select); coding-DNA position 1385, T replaced by A.
Protein change: p.Met462Lys; replaces methionine 462 with lysine.
Molecular consequence: missense variant. On other transcripts: non-coding transcript variant (7).
Genome position (GRCh38, 1-based): chr1:45,331,189, A>T on the plus strand (T>A on the coding strand, the complement: MUTYH is on the minus strand). VCF-style: chr1-45331189-A-T. GRCh37 (hg19) VCF-style: chr1-45796861-A-T.
Other names: c.1385T>A, p.Met462Lys (NM_001048171.2, NM_001048173.2, NM_001293195.2 and 6 more transcripts); c.1388T>A, p.Met463Lys (NM_001048172.2, NM_001407071.1, NM_001407078.1 and 1 more transcripts); c.1469T>A, p.Met490Lys (NM_001128425.2); c.1430T>A, p.Met477Lys (NM_001293190.2); c.1418T>A, p.Met473Lys (NM_001293191.2, NM_001407069.1, NM_001407077.1); c.1109T>A, p.Met370Lys (NM_001293192.2, NM_001293196.2, NM_001407091.1); c.1040T>A, p.Met347Lys (NM_001350650.2, NM_001350651.2, NM_001407082.1); c.1301T>A, p.Met434Lys (NM_001407075.1); and 5 more; short protein forms M347K, M448K, M449K, M473K, M490K, M434K, M370K, M463K.
Identifiers: ClinVar variation 4720145 (VCV004720145.2).